The following is an entry in ClinVar:

ClinVar aggregate classification (germline): Benign/Likely benign. Review status: criteria provided, multiple submitters, no conflicts (2 of 4 stars). 4 submissions from 4 submitters: Benign (1); Likely benign (3). Last evaluated 2025-10-21.

Conditions:
Multiple endocrine neoplasia, type 2 (MEN2). Identifiers: Orphanet 653, MedGen C4048306, MONDO:0019003. Disease mechanism: gain of function.
Hereditary cancer-predisposing syndrome. Also called: Tumor predisposition; Hereditary neoplastic syndrome; Neoplastic Syndromes, Hereditary; Hereditary Cancer Syndrome. Identifiers: Orphanet 140162, MedGen C0027672, MeSH D009386, MONDO:0015356.
Multiple endocrine neoplasia type 2A. Also called: Multiple Endocrine Neoplasia Type 2A (MEN2A); MULTIPLE ENDOCRINE NEOPLASIA, TYPE IIA; PTC SYNDROME; SIPPLE SYNDROME; MEN 2A; MEN-2A syndrome. Identifiers: Orphanet 247698, Orphanet 653, MedGen C0025268, MeSH D018813, MONDO:0008234, OMIM 171400.

Allele frequency attached by ClinVar (database versions not stated): gnomAD exomes below 0.00001; ExAC 0.00002.
gnomAD v4.1: 5 of 1,604,138 alleles (0.00031%); highest among the groups gnomAD compares: Non-Finnish European, 0.00034%; no homozygotes.

Submissions (4):

Labcorp Genetics (formerly Invitae), Labcorp
Classification: Likely benign for Multiple endocrine neoplasia, type 2. Last evaluated: 2025-10-21. Review status: criteria provided, single submitter. Criteria: Invitae Variant Classification Sherloc (09022015). Collection method: clinical testing. Allele origin: germline.

Myriad Genetics, Inc.
Classification: Benign for Multiple endocrine neoplasia type 2A. Last evaluated: 2025-02-27. Review status: criteria provided, single submitter. Criteria: Myriad Autosomal Dominant, Autosomal Recessive and X-Linked Classification Criteria (2023). Collection method: clinical testing. Allele origin: unknown.
Comment: This variant is considered benign. This variant is a silent/synonymous amino acid change and it is not expected to impact splicing.

All of Us Research Program, National Institutes of Health
Classification: Likely benign for Multiple endocrine neoplasia, type 2. Last evaluated: 2024-07-20. Review status: criteria provided, single submitter. Criteria: ACMG Guidelines, 2015. Collection method: clinical testing. Allele origin: germline. Inheritance: Autosomal dominant inheritance. Observed: 1 variant allele, 1 heterozygote.
Comment: This study involves interpretation of variants in research participants for the purpose of population health screening. Participant phenotype was not available at the time of variant classification. Additional details can be found in publication PMID: 35346344, PMCID: PMC8962531

Ambry Genetics
Classification: Likely benign for Hereditary cancer-predisposing syndrome. Last evaluated: 2024-04-17. Review status: criteria provided, single submitter. Criteria: Ambry Variant Classification Scheme 2023. Collection method: clinical testing. Allele origin: germline.

NM_020975.6(RET):c.2406C>T (p.Leu802=)

Gene: RET (ret proto-oncogene; plus strand). Cytogenetic location: 10q11.21.
Variant type: single nucleotide variant.
Coding change: c.2406C>T on transcript NM_020975.6 (MANE Select); coding-DNA position 2406, C replaced by T.
Protein change: p.Leu802=; no amino-acid change (leucine 802 retained).
Molecular consequence: synonymous variant.
Genome position (GRCh38, 1-based): chr10:43,119,544, C>T. VCF-style: chr10-43119544-C-T. GRCh37 (hg19) VCF-style: chr10-43614992-C-T.
Other names: c.2406C>T, p.Leu802= (NM_000323.2, NM_001406743.1, NM_001406744.1 and 4 more transcripts); c.1644C>T, p.Leu548= (NM_001355216.2); c.2277C>T, p.Leu759= (NM_001406761.1, NM_001406762.1, NM_001406764.1); c.2271C>T, p.Leu757= (NM_001406763.1, NM_001406765.1); c.2118C>T, p.Leu706= (NM_001406766.1, NM_001406767.1, NM_001406770.1); c.2142C>T, p.Leu714= (NM_001406768.1); c.2010C>T, p.Leu670= (NM_001406769.1, NM_001406772.1); c.1968C>T, p.Leu656= (NM_001406771.1, NM_001406773.1); and 10 more.
Identifiers: ClinVar variation 1078283 (VCV001078283.13), dbSNP rs748339853, ClinGen allele CA039063.